The following is an entry in ClinVar:

ClinVar aggregate classification (germline): Uncertain significance. Review status: criteria provided, multiple submitters, no conflicts (2 of 4 stars). 2 submissions from 2 submitters: Uncertain significance (2). Last evaluated 2023-07-21.

Conditions:
Inborn genetic diseases. Identifiers: MedGen C0950123, MeSH D030342.
COL4A4-related disorder.

Submissions (2):

Ambry Genetics
Classification: Uncertain significance for Inborn genetic diseases. Last evaluated: 2023-07-21. Review status: criteria provided, single submitter. Criteria: Ambry Variant Classification Scheme 2023. Collection method: clinical testing. Allele origin: germline.
Comment: The c.4432C>T (p.P1478S) alteration is located in exon 46 (coding exon 45) of the COL4A4 gene. This alteration results from a C to T substitution at nucleotide position 4432, causing the proline (P) at amino acid position 1478 to be replaced by a serine (S). This variant was not reported in population-based cohorts in the Genome Aggregation Database (gnomAD). This amino acid position is highly conserved in available vertebrate species. This alteration is predicted to be deleterious by in silico analysis. Based on insufficient or conflicting evidence, the clinical significance of this alteration remains unclear.

PreventionGenetics, part of Exact Sciences
Classification: Uncertain significance for COL4A4-related condition. Last evaluated: 2023-03-01. Review status: criteria provided, single submitter. Criteria: ACMG Guidelines, 2015. Collection method: clinical testing. Allele origin: germline.
Comment: The COL4A4 c.4432C>T variant is predicted to result in the amino acid substitution p.Pro1478Ser. To our knowledge, this variant has not been reported in the literature or in a large population database, indicating this variant is rare. At this time, the clinical significance of this variant is uncertain due to the absence of conclusive functional and genetic evidence.

NM_000092.5(COL4A4):c.4432C>T (p.Pro1478Ser)

Gene: COL4A4 (collagen type IV alpha 4 chain; minus strand). Cytogenetic location: 2q36.3.
Variant type: single nucleotide variant.
Coding change: c.4432C>T on transcript NM_000092.5 (MANE Select); coding-DNA position 4432, C replaced by T.
Protein change: p.Pro1478Ser; replaces proline 1478 with serine.
Molecular consequence: missense variant.
Genome position (GRCh38, 1-based): chr2:227,010,403, G>A on the plus strand (C>T on the coding strand, the complement: COL4A4 is on the minus strand). VCF-style: chr2-227010403-G-A. GRCh37 (hg19) VCF-style: chr2-227875119-G-A.
Other names: short protein forms P1478S.
Identifiers: ClinVar variation 2559066 (VCV002559066.4), dbSNP rs2472677665, ClinGen allele CA350836159.